The following is an entry in ClinVar:

ClinVar aggregate classification (germline): Likely benign. Review status: criteria provided, single submitter (1 of 4 stars). 2 submissions from 2 submitters: Likely benign (1). 1 of the submissions does not count toward it. Last evaluated 2026-01-28.

Conditions:
ADSS1-related disorder. Also called: ADSS1-related condition.

Submissions (2):

Labcorp Genetics (formerly Invitae), Labcorp
Classification: Likely benign. Last evaluated: 2026-01-28. Review status: criteria provided, single submitter. Criteria: Invitae Variant Classification Sherloc (09022015). Collection method: clinical testing. Allele origin: germline.

PreventionGenetics, part of Exact Sciences
Classification: Likely benign for ADSS1-related condition. Last evaluated: 2019-08-29. Review status: no assertion criteria provided. Collection method: clinical testing. Allele origin: germline. Not counted in ClinVar's aggregate classification.
Comment: This variant is classified as likely benign based on ACMG/AMP sequence variant interpretation guidelines (Richards et al. 2015 PMID: 25741868, with internal and published modifications).

NM_152328.5(ADSS1):c.193-10del

Gene: ADSS1 (adenylosuccinate synthase 1; plus strand). Cytogenetic location: 14q32.33.
Variant type: Deletion.
Coding change: c.193-10del on transcript NM_152328.5 (MANE Select); 10 bases into the intron before coding-DNA position 193, one base deleted (T; older notation c.193-10delT).
Molecular consequence: intron variant.
Genome position (GRCh38, 1-based): chr14:104,735,010, T deleted; the last of 3 consecutive T bases (chr14:104,735,008-104,735,010); deleting any one gives the same sequence. VCF-style (leftmost placement, unchanged base first): chr14-104735007-GT-G. GRCh37 (hg19) VCF-style: chr14-105201344-GT-G.
Other names: c.322-10del (NM_199165.2); c.-406-10del (NM_001320424.1); c.322-10delT (NM_199165.2).
Identifiers: ClinVar variation 1681901 (VCV001681901.10), dbSNP rs558056310, ClinGen allele CA7373545.